The following is an entry in ClinVar:

NM_000064.4(C3):c.4714+5G>A

Gene: C3 (complement C3; minus strand). Cytogenetic location: 19p13.3.
Variant type: single nucleotide variant.
Coding change: c.4714+5G>A on transcript NM_000064.4 (MANE Select); 5 bases into the intron after coding-DNA position 4714, G replaced by A.
Molecular consequence: intron variant.
Genome position (GRCh38, 1-based): chr19:6,678,367, C>T on the plus strand (G>A on the coding strand, the complement: C3 is on the minus strand). VCF-style: chr19-6678367-C-T. GRCh37 (hg19) VCF-style: chr19-6678378-C-T.
Identifiers: ClinVar variation 2851777 (VCV002851777.3), dbSNP rs2512225009, ClinGen allele CA2739271670.

ClinVar aggregate classification (germline): Uncertain significance (1 of 4 stars; one submission).

Submission:

Labcorp Genetics (formerly Invitae), Labcorp
Classification: Uncertain significance. Last evaluated: 2023-04-07. Review status: criteria provided, single submitter. Criteria: Invitae Variant Classification Sherloc (09022015). Collection method: clinical testing. Allele origin: germline.
Comment: This variant is not present in population databases (gnomAD no frequency). This sequence change falls in intron 39 of the C3 gene. It does not directly change the encoded amino acid sequence of the C3 protein. It affects a nucleotide within the consensus splice site. This variant has not been reported in the literature in individuals affected with C3-related conditions. In summary, the available evidence is currently insufficient to determine the role of this variant in disease. Therefore, it has been classified as a Variant of Uncertain Significance. Variants that disrupt the consensus splice site are a relatively common cause of aberrant splicing (PMID: 17576681, 9536098). Algorithms developed to predict the effect of sequence changes on RNA splicing suggest that this variant is not likely to affect RNA splicing.

Literature cited by the submitters: PubMed 17576681; PubMed 9536098.